The following is an entry in ClinVar:

NM_012123.4(MTO1):c.1117G>A (p.Val373Met)

Gene: MTO1 (mitochondrial tRNA translation optimization 1; plus strand). Cytogenetic location: 6q13.
Variant type: single nucleotide variant.
Coding change: c.1117G>A on transcript NM_012123.4 (MANE Select); coding-DNA position 1117, G replaced by A.
Protein change: p.Val373Met; replaces valine 373 with methionine.
Molecular consequence: missense variant.
Genome position (GRCh38, 1-based): chr6:73,480,114, G>A. VCF-style: chr6-73480114-G-A. GRCh37 (hg19) VCF-style: chr6-74189837-G-A.
Other names: c.1117G>A, p.Val373Met (NM_001123226.2, NM_133645.3); short protein forms V373M.
Identifiers: ClinVar variation 2147746 (VCV002147746.1), dbSNP rs2533279835, ClinGen allele CA364714955.

ClinVar aggregate classification (germline): Uncertain significance (1 of 4 stars; one submission).

Conditions:
Mitochondrial hypertrophic cardiomyopathy with lactic acidosis due to MTO1 deficiency. Also called: CARDIOMYOPATHY, INFANTILE HYPERTROPHIC MITOCHONDRIAL, AND LACTIC ACIDOSIS; Combined oxidative phosphorylation deficiency 10. Identifiers: Orphanet 314637, MedGen C4749921, MONDO:0013865, OMIM 614702.

Allele frequency attached by ClinVar (database versions not stated): gnomAD exomes below 0.00001.
gnomAD v4.1: 2 of 1,613,946 alleles (0.00012%); highest among the groups gnomAD compares: Non-Finnish European, 0.00017%; no homozygotes.

Submission:

Labcorp Genetics (formerly Invitae), Labcorp
Classification: Uncertain significance for Mitochondrial hypertrophic cardiomyopathy with lactic acidosis due to MTO1 deficiency. Last evaluated: 2022-10-18. Review status: criteria provided, single submitter. Criteria: Invitae Variant Classification Sherloc (09022015). Collection method: clinical testing. Allele origin: germline.
Comment: This sequence change replaces valine, which is neutral and non-polar, with methionine, which is neutral and non-polar, at codon 373 of the MTO1 protein (p.Val373Met). This variant is not present in population databases (gnomAD no frequency). This variant has not been reported in the literature in individuals affected with MTO1-related conditions. Advanced modeling of protein sequence and biophysical properties (such as structural, functional, and spatial information, amino acid conservation, physicochemical variation, residue mobility, and thermodynamic stability) performed at Invitae indicates that this missense variant is not expected to disrupt MTO1 protein function. In summary, the available evidence is currently insufficient to determine the role of this variant in disease. Therefore, it has been classified as a Variant of Uncertain Significance.